The following is an entry in ClinVar:

NM_003504.5(CDC45):c.302A>G (p.His101Arg)

Gene: CDC45 (cell division cycle 45; plus strand). Cytogenetic location: 22q11.21.
Variant type: single nucleotide variant.
Coding change: c.302A>G on transcript NM_003504.5 (MANE Select); coding-DNA position 302, A replaced by G.
Protein change: p.His101Arg; replaces histidine 101 with arginine.
Molecular consequence: missense variant. On other transcripts: non-coding transcript variant (1), intron variant (1).
Genome position (GRCh38, 1-based): chr22:19,482,787, A>G. VCF-style: chr22-19482787-A-G. GRCh37 (hg19) VCF-style: chr22-19470310-A-G.
Other names: c.302A>G, p.His101Arg (NM_001178010.2); c.266A>G, p.His89Arg (NM_001369291.1); c.205-1075A>G (NM_001178011.2); short protein forms H101R, H89R.
Identifiers: ClinVar variation 1039955 (VCV001039955.7), dbSNP rs200688643, ClinGen allele CA10100997.
Genomic context (GRCh38, chr22:19,482,787, plus strand): 5'-TAGACCTATTGGATATTCTTCAACCTGATGAAGACACTATATTCTTTGTGTGTGACACCC[A>G]TAGGCCAGTCAATGTCGTCAATGTATACAACGATACCCAGGTACTTTTTGTGCTATGCCC-3'
Protein context (NP_003495.1, residues 91-111): EDTIFFVCDT[His101Arg]RPVNVVNVYN

ClinVar aggregate classification (germline): Uncertain significance (1 of 4 stars; one submission).

Allele frequency attached by ClinVar (database versions not stated): gnomAD exomes 0.00001 and 0.00003; ExAC 0.00002; gnomAD 0.00003 and 0.00004; TOPMed 0.00003; ESP Exome Variant Server 0.00008.
gnomAD v4.1: 23 of 1,613,910 alleles (0.0014%); highest among the groups gnomAD compares: Non-Finnish European, 0.0018%; no homozygotes.

Submission:

Labcorp Genetics (formerly Invitae), Labcorp
Classification: Uncertain significance. Last evaluated: 2024-11-15. Review status: criteria provided, single submitter. Criteria: Invitae Variant Classification Sherloc (09022015). Collection method: clinical testing. Allele origin: germline.
Comment: This sequence change replaces histidine, which is basic and polar, with arginine, which is basic and polar, at codon 101 of the CDC45 protein (p.His101Arg). This variant is present in population databases (rs200688643, gnomAD 0.007%). This variant has not been reported in the literature in individuals affected with CDC45-related conditions. ClinVar contains an entry for this variant (Variation ID: 1039955). An algorithm developed to predict the effect of missense changes on protein structure and function (PolyPhen-2) suggests that this variant is likely to be disruptive. In summary, the available evidence is currently insufficient to determine the role of this variant in disease. Therefore, it has been classified as a Variant of Uncertain Significance.